The following is an entry in ClinVar:

NM_018089.3(ANKZF1):c.1934A>G (p.Glu645Gly)

Gene: ANKZF1 (ankyrin repeat and zinc finger peptidyl tRNA hydrolase 1; plus strand). Cytogenetic location: 2q35.
Variant type: single nucleotide variant.
Coding change: c.1934A>G on transcript NM_018089.3 (MANE Select); coding-DNA position 1934, A replaced by G.
Protein change: p.Glu645Gly; replaces glutamic acid 645 with glycine.
Molecular consequence: missense variant.
Genome position (GRCh38, 1-based): chr2:219,235,838, A>G. VCF-style: chr2-219235838-A-G. GRCh37 (hg19) VCF-style: chr2-220100560-A-G.
Other names: c.1934A>G, p.Glu645Gly (NM_001042410.2); c.1304A>G, p.Glu435Gly (NM_001282792.2); short protein forms E645G, E435G.
Identifiers: ClinVar variation 1524344 (VCV001524344.8), dbSNP rs778680547, ClinGen allele CA2121234.

ClinVar aggregate classification (germline): Uncertain significance (1 of 4 stars; one submission).

Allele frequency attached by ClinVar (database versions not stated): ExAC 0.00001; gnomAD exomes 0.00001; gnomAD 0.00002 and 0.00003; TOPMed 0.00002.
gnomAD v4.1: 11 of 1,614,072 alleles (0.00068%); highest among the groups gnomAD compares: Admixed American, 0.0067%; no homozygotes.

Submission:

Labcorp Genetics (formerly Invitae), Labcorp
Classification: Uncertain significance. Last evaluated: 2023-08-03. Review status: criteria provided, single submitter. Criteria: Invitae Variant Classification Sherloc (09022015). Collection method: clinical testing. Allele origin: germline.
Comment: In summary, the available evidence is currently insufficient to determine the role of this variant in disease. Therefore, it has been classified as a Variant of Uncertain Significance. An algorithm developed to predict the effect of missense changes on protein structure and function (PolyPhen-2) suggests that this variant is likely to be tolerated. ClinVar contains an entry for this variant (Variation ID: 1524344). This variant has not been reported in the literature in individuals affected with ANKZF1-related conditions. This variant is present in population databases (rs778680547, gnomAD 0.009%). This sequence change replaces glutamic acid, which is acidic and polar, with glycine, which is neutral and non-polar, at codon 645 of the ANKZF1 protein (p.Glu645Gly).